The following is an entry in ClinVar:

ClinVar aggregate classification (germline): Uncertain significance (1 of 4 stars; one submission).

Submission:

CeGaT Center for Human Genetics Tuebingen
Classification: Uncertain significance. Last evaluated: 2022-12-01. Review status: criteria provided, single submitter. Criteria: CeGaT Center For Human Genetics Tuebingen Variant Classification Criteria Version 2. Collection method: clinical testing. Allele origin: germline. Affected: yes. Observed: 1 variant allele.
Comment: JAK3: PM2, BP4

NM_000215.4(JAK3):c.3289A>C (p.Met1097Leu)

Gene: JAK3 (Janus kinase 3; minus strand). Cytogenetic location: 19p13.11.
Variant type: single nucleotide variant.
Coding change: c.3289A>C on transcript NM_000215.4 (MANE Select); coding-DNA position 3289, A replaced by C.
Protein change: p.Met1097Leu; replaces methionine 1097 with leucine.
Molecular consequence: missense variant.
Genome position (GRCh38, 1-based): chr19:17,826,829, T>G on the plus strand (A>C on the coding strand, the complement: JAK3 is on the minus strand). VCF-style: chr19-17826829-T-G. GRCh37 (hg19) VCF-style: chr19-17937638-T-G.
Other names: short protein forms M1097L.
Identifiers: ClinVar variation 2649556 (VCV002649556.24), dbSNP rs201301192, ClinGen allele CA404763079.